The following is an entry in ClinVar:

ClinVar aggregate classification (germline): Likely benign (1 of 4 stars; one submission).

Allele frequency attached by ClinVar (database versions not stated): gnomAD exomes below 0.00001; ExAC 0.00001; gnomAD 0.00005; TOPMed 0.00012; 1000 Genomes Project 30x 0.00016; 1000 Genomes Project 0.00020.
gnomAD v4.1: 14 of 1,595,932 alleles (0.00088%); highest among the groups gnomAD compares: Admixed American, 0.015%; no homozygotes.

Submission:

GeneDx
Classification: Likely benign. Last evaluated: 2016-08-01. Review status: criteria provided, single submitter. Criteria: GeneDx Variant Classification (06012015). Collection method: clinical testing. Allele origin: germline. Affected: yes.
Comment: This variant is considered likely benign or benign based on one or more of the following criteria: it is a conservative change, it occurs at a poorly conserved position in the protein, it is predicted to be benign by multiple in silico algorithms, and/or has population frequency not consistent with disease.

NM_004655.4(AXIN2):c.-28C>G

Gene: AXIN2 (axin 2; minus strand). Cytogenetic location: 17q24.1.
Variant type: single nucleotide variant.
Coding change: c.-28C>G on transcript NM_004655.4 (MANE Select); 28 bases upstream of the start codon, C replaced by G.
Molecular consequence: 5 prime UTR variant.
Genome position (GRCh38, 1-based): chr17:65,558,648, G>C on the plus strand (C>G on the coding strand, the complement: AXIN2 is on the minus strand). VCF-style: chr17-65558648-G-C. GRCh37 (hg19) VCF-style: chr17-63554766-G-C.
Other names: c.-28C>G (NM_001363813.1, LRG_296t1).
Identifiers: ClinVar variation 388284 (VCV000388284.1), dbSNP rs573229183, ClinGen allele CA8719124.